The following is an entry in ClinVar:

NC_000008.11:g.100471427T>G

Gene: VPS13B (vacuolar protein sorting 13 homolog B; plus strand). Cytogenetic location: 8q22.2.
Variant type: single nucleotide variant.
Genome position: GRCh38 VCF-style: chr8-100471427-T-G. GRCh37 (hg19) VCF-style: chr8-101483655-T-G.
Identifiers: ClinVar variation 3349631 (VCV003349631.1).
Genomic context (GRCh38, chr8:100,471,427, plus strand): 5'-GTATGTTTGTGGAGTAGCTTGTTGTCATCGTCTAAGGCCCAGGTGTAAGCGGGGTTTTGT[T>G]GAGATTAAGTCAGCTGATGAAGGCTCTTATTTTTACTTCCATCTTTTTTCACAAGAATGA-3'

ClinVar aggregate classification (germline): Likely benign (0 of 4 stars; one submission).

Conditions:
VPS13B-related disorder. Also called: VPS13B-related condition.

Submission:

PreventionGenetics, part of Exact Sciences
Classification: Likely benign for VPS13B-related condition. Last evaluated: 2024-09-12. Review status: no assertion criteria provided. Collection method: clinical testing. Allele origin: germline.
Comment: This variant is classified as likely benign based on ACMG/AMP sequence variant interpretation guidelines (Richards et al. 2015 PMID: 25741868, with internal and published modifications).